The following is an entry in ClinVar:

NM_144701.3(IL23R):c.187A>G (p.Lys63Glu)

Gene: IL23R (interleukin 23 receptor; plus strand). Cytogenetic location: 1p31.3.
Variant type: single nucleotide variant.
Coding change: c.187A>G on transcript NM_144701.3 (MANE Select); coding-DNA position 187, A replaced by G.
Protein change: p.Lys63Glu; replaces lysine 63 with glutamic acid.
Molecular consequence: missense variant.
Genome position (GRCh38, 1-based): chr1:67,169,458, A>G. VCF-style: chr1-67169458-A-G. GRCh37 (hg19) VCF-style: chr1-67635141-A-G.
Other names: c.187A>G (NM_144701.2); short protein forms K63E.
Identifiers: ClinVar variation 2986990 (VCV002986990.4), dbSNP rs1469323792, ClinGen allele CA340732353.
Genomic context (GRCh38, chr1:67,169,458, plus strand): 5'-AAGATGGGTATGAATATCTCTATATATTGCCAAGCAGCAATTAAGAACTGCCAACCAAGG[A>G]AACTTCATTTTTATAAAAATGGCATCAAAGAAAGATTTCAAATCACAAGGATTAATAAAA-3'
Protein context (NP_653302.2, residues 53-73): QAAIKNCQPR[Lys63Glu]LHFYKNGIKE

ClinVar aggregate classification (germline): Uncertain significance. Review status: criteria provided, multiple submitters, no conflicts (2 of 4 stars). 2 submissions from 2 submitters: Uncertain significance (2). Last evaluated 2025-03-25.

Allele frequency attached by ClinVar (database versions not stated): gnomAD 0.00001; gnomAD exomes 0.00001; TOPMed 0.00001.
gnomAD v4.1: 12 of 1,613,852 alleles (0.00074%); highest among the groups gnomAD compares: East Asian, 0.0089%; no homozygotes.

Submissions (2):

Ambry Genetics
Classification: Uncertain significance. Last evaluated: 2025-03-25. Review status: criteria provided, single submitter. Criteria: Ambry Variant Classification Scheme 2023. Collection method: clinical testing. Allele origin: germline.

Labcorp Genetics (formerly Invitae), Labcorp
Classification: Uncertain significance. Last evaluated: 2023-05-19. Review status: criteria provided, single submitter. Criteria: Invitae Variant Classification Sherloc (09022015). Collection method: clinical testing. Allele origin: germline.
Comment: In summary, the available evidence is currently insufficient to determine the role of this variant in disease. Therefore, it has been classified as a Variant of Uncertain Significance. This sequence change replaces lysine, which is basic and polar, with glutamic acid, which is acidic and polar, at codon 63 of the IL23R protein (p.Lys63Glu). This variant is present in population databases (no rsID available, gnomAD 0.0009%). This variant has not been reported in the literature in individuals affected with IL23R-related conditions. An algorithm developed to predict the effect of missense changes on protein structure and function (PolyPhen-2) suggests that this variant is likely to be tolerated.